The following is an entry in ClinVar:

NM_001369.3(DNAH5):c.12152T>C (p.Met4051Thr)

Gene: DNAH5 (dynein axonemal heavy chain 5; minus strand). Cytogenetic location: 5p15.2.
Variant type: single nucleotide variant.
Coding change: c.12152T>C on transcript NM_001369.3 (MANE Select); coding-DNA position 12152, T replaced by C.
Protein change: p.Met4051Thr; replaces methionine 4051 with threonine.
Molecular consequence: missense variant.
Genome position (GRCh38, 1-based): chr5:13,721,127, A>G on the plus strand (T>C on the coding strand, the complement: DNAH5 is on the minus strand). VCF-style: chr5-13721127-A-G. GRCh37 (hg19) VCF-style: chr5-13721236-A-G.
Other names: short protein forms M4051T.
Identifiers: ClinVar variation 3767062 (VCV003767062.1).

ClinVar aggregate classification (germline): Uncertain significance (1 of 4 stars; one submission).

Conditions:
Primary ciliary dyskinesia 3. Identifiers: Orphanet 244, MedGen C1837618, MONDO:0012085, OMIM 608644.

gnomAD v4.1: 5 of 1,614,152 alleles (0.00031%); highest among the groups gnomAD compares: Non-Finnish European, 0.00042%; no homozygotes.

Submission:

ARUP Laboratories, Molecular Genetics and Genomics, ARUP Laboratories
Classification: Uncertain significance for Primary ciliary dyskinesia 3. Last evaluated: 2024-01-29. Review status: criteria provided, single submitter. Criteria: ARUP Molecular Germline Variant Investigation Process 2024. Collection method: clinical testing. Allele origin: germline.
Comment: The DNAH5 c.12152T>C; p.Met4051Thr variant (rs145655374), to our knowledge, is not reported in the medical literature or gene specific databases. This variant is only found on one allele in the Genome Aggregation Database (v2.1.1), indicating it is not a common polymorphism. Computational analyses are uncertain whether this variant is neutral or deleterious (REVEL: 0.259). Due to limited information, the clinical significance of this variant is uncertain at this time.